The following is an entry in ClinVar:

ClinVar aggregate classification (germline): Pathogenic (1 of 4 stars; one submission).

Conditions:
Emery-Dreifuss muscular dystrophy 4, autosomal dominant (EDMD4). Also called: EMERY-DREIFUSS MUSCULAR DYSTROPHY 4 WITH VARIABLE FEATURES. Identifiers: Orphanet 261, MedGen C2751807, MONDO:0013071, OMIM 612998.
Autosomal recessive ataxia, Beauce type. Also called: SYNE1 Deficiency; Spinocerebellar ataxia, autosomal recessive 8; ATAXIA, RECESSIVE, OF BEAUCE; SYNE1-Related Autosomal Recessive Cerebellar Ataxia. Identifiers: Orphanet 88644, MedGen C1853116, MONDO:0012549, OMIM 610743.

Submission:

Labcorp Genetics (formerly Invitae), Labcorp
Classification: Pathogenic for Emery-Dreifuss muscular dystrophy 4, autosomal dominant; Autosomal recessive ataxia, Beauce type. Last evaluated: 2022-01-08. Review status: criteria provided, single submitter. Criteria: Invitae Variant Classification Sherloc (09022015). Collection method: clinical testing. Allele origin: germline.
Comment: This variant is not present in population databases (gnomAD no frequency). This sequence change creates a premature translational stop signal (p.Gln3505*) in the SYNE1 gene. It is expected to result in an absent or disrupted protein product. Loss-of-function variants in SYNE1 are known to be pathogenic (PMID: 19542096, 24319099, 27086870). This variant has not been reported in the literature in individuals affected with SYNE1-related conditions. For these reasons, this variant has been classified as Pathogenic.

Literature cited by the submitters: PubMed 19542096; PubMed 24319099; PubMed 27086870.

NM_182961.4(SYNE1):c.10492C>T (p.Gln3498Ter)

Gene: SYNE1 (spectrin repeat containing nuclear envelope protein 1; minus strand). Cytogenetic location: 6q25.2.
Variant type: single nucleotide variant.
Coding change: c.10492C>T on transcript NM_182961.4 (MANE Select); coding-DNA position 10492, C replaced by T.
Protein change: p.Gln3498Ter; replaces glutamine 3498 with a stop codon.
Molecular consequence: nonsense.
Genome position (GRCh38, 1-based): chr6:152,358,489, G>A on the plus strand (C>T on the coding strand, the complement: SYNE1 is on the minus strand). VCF-style: chr6-152358489-G-A. GRCh37 (hg19) VCF-style: chr6-152679624-G-A.
Other names: c.10513C>T, p.Gln3505Ter (NM_033071.5); short protein forms Q3498*, Q3505*.
Identifiers: ClinVar variation 1940399 (VCV001940399.5), dbSNP rs2488638913, ClinGen allele CA366127987.